The following is an entry in ClinVar:

NM_006939.4(SOS2):c.2026C>T (p.Arg676Cys)

Gene: SOS2 (SOS Ras/Rho guanine nucleotide exchange factor 2; minus strand). Cytogenetic location: 14q21.3.
Variant type: single nucleotide variant.
Coding change: c.2026C>T on transcript NM_006939.4 (MANE Select); coding-DNA position 2026, C replaced by T.
Protein change: p.Arg676Cys; replaces arginine 676 with cysteine.
Molecular consequence: missense variant.
Genome position (GRCh38, 1-based): chr14:50,157,030, G>A on the plus strand (C>T on the coding strand, the complement: SOS2 is on the minus strand). VCF-style: chr14-50157030-G-A. GRCh37 (hg19) VCF-style: chr14-50623748-G-A.
Other names: c.1927C>T, p.Arg643Cys (NM_001411020.1); short protein forms R676C, R643C.
Identifiers: ClinVar variation 2154646 (VCV002154646.4), dbSNP rs1001909268, ClinGen allele CA260734275.

ClinVar aggregate classification (germline): Uncertain significance (1 of 4 stars; one submission).

Conditions:
Noonan syndrome 9 (NS9). Identifiers: Orphanet 648, MedGen C4225282, MONDO:0014691, OMIM 616559.

Allele frequency attached by ClinVar (database versions not stated): TOPMed 0.00001.
gnomAD v4.1: 4 of 1,609,266 alleles (0.00025%); highest among the groups gnomAD compares: Non-Finnish European, 0.00034%; no homozygotes.

Submission:

Labcorp Genetics (formerly Invitae), Labcorp
Classification: Uncertain significance for Noonan syndrome 9. Last evaluated: 2024-11-04. Review status: criteria provided, single submitter. Criteria: Invitae Variant Classification Sherloc (09022015). Collection method: clinical testing. Allele origin: germline.
Comment: This sequence change replaces arginine, which is basic and polar, with cysteine, which is neutral and slightly polar, at codon 676 of the SOS2 protein (p.Arg676Cys). This variant is present in population databases (no rsID available, gnomAD 0.0009%). This variant has not been reported in the literature in individuals affected with SOS2-related conditions. ClinVar contains an entry for this variant (Variation ID: 2154646). Invitae Evidence Modeling of protein sequence and biophysical properties (such as structural, functional, and spatial information, amino acid conservation, physicochemical variation, residue mobility, and thermodynamic stability) has been performed for this missense variant. However, the output from this modeling did not meet the statistical confidence thresholds required to predict the impact of this variant on SOS2 protein function. In summary, the available evidence is currently insufficient to determine the role of this variant in disease. Therefore, it has been classified as a Variant of Uncertain Significance.